The following is an entry in ClinVar:

ClinVar aggregate classification (germline): Pathogenic/Likely pathogenic. Review status: criteria provided, multiple submitters, no conflicts (2 of 4 stars). 2 submissions from 2 submitters: Pathogenic (1); Likely pathogenic (1). Last evaluated 2023-05-23.

Conditions:
SCN1A-related disorder. Also called: SCN1A-related conditions; SCN1A-related condition; SCN1A-related disorders.
SCN1A Seizure Disorders. Identifiers: MedGen CN381098.

Submissions (2):

Illumina Laboratory Services, Illumina
Classification: Pathogenic for SCN1A Seizure Disorders. Last evaluated: 2023-05-23. Review status: criteria provided, single submitter. Criteria: ICSLVariantClassificationCriteria RUGD 01 April 2020. Collection method: clinical testing. Allele origin: unknown.
Comment: The SCN1A c.2175del (p.Cys726ValfsTer10) variant causes a shift in the protein reading frame that is predicted to result in premature termination of the protein. Loss of normal protein function through either protein truncation or nonsense-mediated mRNA decay is expected. To our knowledge, this variant has not been reported in the peer-reviewed literature. This variant is not observed in version 2.1.1 or version 3.1.2 of the Genome Aggregation Database. Based on the available evidence, the c.2175del (p.Cys726ValfsTer10) variant is classified as pathogenic for SCN1A seizure disorders.

Blueprint Genetics
Classification: Likely pathogenic for SCN1A-related disorders. Last evaluated: 2019-09-11. Review status: criteria provided, single submitter. Criteria: ACMG Guidelines, 2015. Collection method: clinical testing. Allele origin: germline. Affected: yes. Observed: 1 variant allele.

NM_001165963.4(SCN1A):c.2208del (p.Cys737fs)

Gene: SCN1A (sodium voltage-gated channel alpha subunit 1; minus strand). Cytogenetic location: 2q24.3.
Variant type: Deletion.
Coding change: c.2208del on transcript NM_001165963.4 (MANE Select); coding-DNA position 2208, one base deleted (C; older notation c.2208delC).
Protein change: p.Cys737fs; shifts the reading frame from cysteine 737.
Molecular consequence: frameshift variant. On other transcripts: 5 prime UTR variant (1), non-coding transcript variant (1).
Genome position (GRCh38, 1-based): chr2:166,041,438, G deleted on the plus strand (C on the coding strand, the reverse complement: SCN1A is on the minus strand); the first of 3 consecutive G bases (chr2:166,041,438-166,041,440); deleting any one gives the same sequence. VCF-style (leftmost placement, unchanged base first): chr2-166041437-AG-A. GRCh37 (hg19) VCF-style: chr2-166897947-AG-A.
Other names: c.2124del, p.Cys709fs (NM_001165964.3, NM_001353957.2, NM_001353958.2); c.2208del, p.Cys737fs (NM_001202435.3, NM_001353948.2); c.2175del, p.Cys726fs (NM_001353949.2, NM_001353950.2, NM_001353951.2 and 2 more transcripts); c.2172del, p.Cys725fs (NM_001353954.2, NM_001353955.2); c.2121del, p.Cys708fs (NM_001353960.2); c.-251del (NM_001353961.2); short protein forms C708fs, C709fs, C725fs, C726fs, C737fs.
Identifiers: ClinVar variation 2572989 (VCV002572989.2), dbSNP rs2468132693, ClinGen allele CA2580614399.